The following is an entry in ClinVar:

NM_016169.4(SUFU):c.439T>C (p.Tyr147His)

Gene: SUFU (SUFU negative regulator of hedgehog signaling; plus strand). Cytogenetic location: 10q24.32.
Variant type: single nucleotide variant.
Coding change: c.439T>C on transcript NM_016169.4 (MANE Select); coding-DNA position 439, T replaced by C.
Protein change: p.Tyr147His; replaces tyrosine 147 with histidine.
Molecular consequence: missense variant.
Genome position (GRCh38, 1-based): chr10:102,550,091, T>C. VCF-style: chr10-102550091-T-C. GRCh37 (hg19) VCF-style: chr10-104309848-T-C.
Other names: c.439T>C, p.Tyr147His (NM_001178133.2); short protein forms Y147H.
Identifiers: ClinVar variation 1740294 (VCV001740294.2), dbSNP rs2544969890, ClinGen allele CA377903660.
Genomic context (GRCh38, chr10:102,550,091, plus strand): 5'-GAAACTGGGGAGTCTGCCCCACCAACATGGCCCGCAGAGTTAATGCAGGGCTTGGCACGA[T>C]ACGTGTTCCAGTCAGGTAGGAGGCCAGGGCTGGCTGCTGTGCTGGTCCTTTTGCCATGAG-3'
Protein context (NP_057253.2, residues 137-157): PAELMQGLAR[Tyr147His]VFQSENTFCS

ClinVar aggregate classification (germline): Uncertain significance (1 of 4 stars; one submission).

Conditions:
Hereditary cancer-predisposing syndrome. Also called: Hereditary Cancer Syndrome; Hereditary neoplastic syndrome; Neoplastic Syndromes, Hereditary; Tumor predisposition. Identifiers: Orphanet 140162, MedGen C0027672, MeSH D009386, MONDO:0015356.

Allele frequency attached by ClinVar (database versions not stated): gnomAD exomes below 0.00001.
gnomAD v4.1: 1 of 1,614,210 alleles (0.000062%); highest among the groups gnomAD compares: Non-Finnish European, 0.000085%; no homozygotes.

Submission:

Ambry Genetics
Classification: Uncertain significance for Hereditary cancer-predisposing syndrome. Last evaluated: 2022-06-24. Review status: criteria provided, single submitter. Criteria: Ambry Variant Classification Scheme 2023. Collection method: clinical testing. Allele origin: germline.
Comment: The p.Y147H variant (also known as c.439T>C), located in coding exon 3 of the SUFU gene, results from a T to C substitution at nucleotide position 439. The tyrosine at codon 147 is replaced by histidine, an amino acid with similar properties. This amino acid position is conserved. In addition, this alteration is predicted to be deleterious by in silico analysis. Since supporting evidence is limited at this time, the clinical significance of this alteration remains unclear.